The following is an entry in ClinVar:

ClinVar aggregate classification (germline): Uncertain significance (1 of 4 stars; one submission).

Conditions:
Microcephaly, normal intelligence and immunodeficiency (NBS). Also called: Nijmegen breakage syndrome; IMMUNODEFICIENCY, MICROCEPHALY, AND CHROMOSOMAL INSTABILITY; Immunodeficiency, microcephaly with normal intelligence; Microcephaly with normal intelligence immunodeficiency and lymphoreticular malignancies; Nonsyndromal microcephaly autosomal recessive with normal intelligence; Seemanova syndrome 2. Identifiers: Orphanet 647, MedGen C0398791, MONDO:0009623, OMIM 251260.

Submission:

Labcorp Genetics (formerly Invitae), Labcorp
Classification: Uncertain significance for Microcephaly, normal intelligence and immunodeficiency. Last evaluated: 2022-01-14. Review status: criteria provided, single submitter. Criteria: Invitae Variant Classification Sherloc (09022015). Collection method: clinical testing. Allele origin: germline.
Comment: In summary, the available evidence is currently insufficient to determine the role of this variant in disease. Therefore, it has been classified as a Variant of Uncertain Significance. Algorithms developed to predict the effect of missense changes on protein structure and function (SIFT, PolyPhen-2, Align-GVGD) all suggest that this variant is likely to be tolerated. ClinVar contains an entry for this variant (Variation ID: 947031). This variant has not been reported in the literature in individuals affected with NBN-related conditions. This variant is not present in population databases (gnomAD no frequency). This sequence change replaces valine, which is neutral and non-polar, with alanine, which is neutral and non-polar, at codon 184 of the NBN protein (p.Val184Ala).

NM_002485.5(NBN):c.551T>C (p.Val184Ala)

Gene: NBN (nibrin; minus strand). Cytogenetic location: 8q21.3.
Variant type: single nucleotide variant.
Coding change: c.551T>C on transcript NM_002485.5 (MANE Select); coding-DNA position 551, T replaced by C.
Protein change: p.Val184Ala; replaces valine 184 with alanine.
Molecular consequence: missense variant.
Genome position (GRCh38, 1-based): chr8:89,978,253, A>G on the plus strand (T>C on the coding strand, the complement: NBN is on the minus strand). VCF-style: chr8-89978253-A-G. GRCh37 (hg19) VCF-style: chr8-90990481-A-G.
Other names: c.305T>C, p.Val102Ala (NM_001024688.3); short protein forms V102A, V184A.
Identifiers: ClinVar variation 947031 (VCV000947031.8), dbSNP rs1811865315, ClinGen allele CA371660211.
Genomic context (GRCh38, chr8:89,978,253, plus strand): 5'-TTGTTATATTTAAAATACATAATATACCTTTCAATTTGTGGAGGCTGCTTCTTGGACTCA[A>G]CTGCTTTCAGGAATTCAGTAAAATATTCTGGCTTTACAATTGGACGTCCACAAATGAGTG-3'
Protein context (NP_002476.2, residues 174-194): PEYFTEFLKA[Val184Ala]ESKKQPPQIE